The following is an entry in ClinVar:

NM_006231.4(POLE):c.5572C>A (p.Arg1858Ser)

Gene: POLE (DNA polymerase epsilon, catalytic subunit; minus strand). Cytogenetic location: 12q24.33.
Variant type: single nucleotide variant.
Coding change: c.5572C>A on transcript NM_006231.4 (MANE Select); coding-DNA position 5572, C replaced by A.
Protein change: p.Arg1858Ser; replaces arginine 1858 with serine.
Molecular consequence: missense variant.
Genome position (GRCh38, 1-based): chr12:132,638,120, G>T on the plus strand (C>A on the coding strand, the complement: POLE is on the minus strand). VCF-style: chr12-132638120-G-T. GRCh37 (hg19) VCF-style: chr12-133214706-G-T.
Other names: short protein forms R1858S.
Identifiers: ClinVar variation 1505888 (VCV001505888.8), dbSNP rs1193081581, ClinGen allele CA387374180.

ClinVar aggregate classification (germline): Uncertain significance (1 of 4 stars; one submission).

Submission:

Labcorp Genetics (formerly Invitae), Labcorp
Classification: Uncertain significance. Last evaluated: 2024-03-14. Review status: criteria provided, single submitter. Criteria: Invitae Variant Classification Sherloc (09022015). Collection method: clinical testing. Allele origin: germline.
Comment: This sequence change replaces arginine, which is basic and polar, with serine, which is neutral and polar, at codon 1858 of the POLE protein (p.Arg1858Ser). This variant is not present in population databases (gnomAD no frequency). This variant has not been reported in the literature in individuals affected with POLE-related conditions. ClinVar contains an entry for this variant (Variation ID: 1505888). Advanced modeling of protein sequence and biophysical properties (such as structural, functional, and spatial information, amino acid conservation, physicochemical variation, residue mobility, and thermodynamic stability) performed at Invitae indicates that this missense variant is not expected to disrupt POLE protein function with a negative predictive value of 80%. In summary, the available evidence is currently insufficient to determine the role of this variant in disease. Therefore, it has been classified as a Variant of Uncertain Significance.